The following is an entry in ClinVar:

ClinVar aggregate classification (germline): Conflicting classifications of pathogenicity. Review status: criteria provided, conflicting classifications (1 of 4 stars). 15 submissions from 15 submitters: Uncertain significance (3); Benign (1); Likely benign (7). 4 of the submissions do not count toward it. Last evaluated 2026-08-01.

Conditions:
Autoinflammatory syndrome. Identifiers: Orphanet 93665, MedGen C3890737, MONDO:0019751.
LPIN2-related disorder. Also called: LPIN2-related condition.
Majeed syndrome (MJDS). Also called: LPIN2-Related Majeed Syndrome; CHRONIC RECURRENT MULTIFOCAL OSTEOMYELITIS 1, WITH CONGENITAL DYSERYTHROPOIETIC ANEMIA, WITH OR WITHOUT NEUTROPHILIC DERMATOSIS. Identifiers: Orphanet 77297, MedGen C1864997, MONDO:0012316, OMIM 609628.

Allele frequency attached by ClinVar (database versions not stated): 1000 Genomes Project 30x 0.00172; 1000 Genomes Project 0.00200; TOPMed 0.00238; gnomAD 0.00253 and 0.00262; gnomAD exomes 0.00256 and 0.00328; ExAC 0.00265; ESP Exome Variant Server 0.00339.
gnomAD v4.1: 5,137 of 1,606,330 alleles (0.32%); highest among the groups gnomAD compares: Non-Finnish European, 0.37%; 16 homozygotes.

Submissions (15):

CeGaT Center for Human Genetics Tuebingen
Classification: Likely benign. Last evaluated: 2026-08-01. Review status: criteria provided, single submitter. Criteria: CeGaT Center For Human Genetics Tuebingen Variant Classification Criteria Version 2. Collection method: clinical testing. Allele origin: germline. Affected: yes. Observed: 19 variant alleles.
Comment: LPIN2: PP2, BS2

Women's Health and Genetics/Laboratory Corporation of America, LabCorp
Classification: Likely benign. Last evaluated: 2026-01-29. Review status: criteria provided, single submitter. Criteria: LabCorp Variant Classification Summary - May 2015. Collection method: clinical testing. Allele origin: germline.
Comment: Variant summary: LPIN2 c.1510C>T (p.Leu504Phe) results in a non-conservative amino acid change in the encoded protein sequence. Algorithms developed to predict the effect of missense changes on protein structure and function all suggest that this variant is likely to be disruptive. The variant allele was found at a frequency of 0.0026 in 251228 control chromosomes in the gnomAD database, including 3 homozygotes. The observed variant frequency exceeds the estimated maximal expected allele frequency for disease-causing variants in LPIN2. To our knowledge, no occurrence of c.1510C>T in individuals affected with LPIN2-related conditions and no experimental evidence demonstrating its impact on protein function have been reported. ClinVar contains an entry for this variant (Variation ID: 97814). Based on the evidence outlined above, the variant was classified as likely benign.

Labcorp Genetics (formerly Invitae), Labcorp
Classification: Likely benign for Majeed syndrome. Last evaluated: 2026-01-26. Review status: criteria provided, single submitter. Criteria: Invitae Variant Classification Sherloc (09022015). Collection method: clinical testing. Allele origin: germline.

ARUP Laboratories, Molecular Genetics and Genomics, ARUP Laboratories
Classification: Uncertain significance for Majeed syndrome. Last evaluated: 2025-07-29. Review status: criteria provided, single submitter. Criteria: ARUP Molecular Germline Variant Investigation Process 2024. Collection method: clinical testing. Allele origin: germline.
Comment: The LPIN2 c.1510C>T; p.Leu504Phe variant (rs104895500, ClinVar Variation ID 97814) is reported in the literature in two individuals with suspected familial Mediterranean fever, but with alternative molecular explanations for disease (Bozgeyik 2020). The variant has also been reported in individuals with psoriasis (see link below), psoriatic arthritis (Atschekzei 2022), and periodic fever syndrome (Alotaibi 2023). This variant is found in the general population with an overall allele frequency of 0.32% (5137/1,606,330 alleles, including 16 homozygotes) in the Genome Aggregation Database (v4.1.0). Computational analyses are uncertain whether this variant is neutral or deleterious (REVEL: 0.675). Due to limited information, the clinical significance of this variant is uncertain at this time. References: Link to variant in Infevers database: Alotaibi BM. Autoinflammatory gene mutations associated with eosinophilia and asthma. Allergy Asthma Clin Immunol. 2023 Aug 29;19(1):76. PMID: 37644591. Atschekzei F et al. Identification of variants in genes associated with autoinflammatory disorders in a cohort of patients with psoriatic arthritis. RMD Open. 2022 Sep;8(2):e002561. PMID: 36113963. Bozgeyik E et al. Next-generation screening of a panel of genes associated with periodic fever syndromes in patients with Familial Mediterranean Fever and their clinical characteristics. Genomics. 2020;112(4):2755-2762. PMID: 32199921.

Blueprint Genetics
Classification: Likely benign. Last evaluated: 2024-11-21. Review status: criteria provided, single submitter. Criteria: ACMG Guidelines, 2015. Collection method: clinical testing. Allele origin: germline.

Mayo Clinic Laboratories, Mayo Clinic
Classification: Benign. Last evaluated: 2024-11-13. Review status: criteria provided, single submitter. Criteria: ACMG Guidelines, 2015. Collection method: clinical testing. Allele origin: germline. Observed: 11 variant alleles.
Comment: BS2

Genome Diagnostics Laboratory, The Hospital for Sick Children
Classification: Likely benign for Autoinflammatory syndrome. Last evaluated: 2022-01-31. Review status: criteria provided, single submitter. Criteria: ACMG Guidelines, 2015. Collection method: clinical testing. Allele origin: germline. Affected: yes.

Center for Genomics, Ann and Robert H. Lurie Children's Hospital of Chicago
Classification: Uncertain significance for Majeed syndrome. Last evaluated: 2021-03-30. Review status: criteria provided, single submitter. Criteria: ACMG Guidelines, 2015. Collection method: clinical testing. Allele origin: germline.
Comment: LPIN2 NM_014646.2 exon 10 p.Leu504Phe (c.1510C>T): This variant has not been reported in the literature but has been reported in 1 individual with psoriasis in the Infevers database. This variant is present in 0.3% (470/129044) of European alleles in the Genome Aggregation Database. This variant is present in ClinVar (Variation ID:97814). Evolutionary conservation suggests that this variant may impact the protein; computational predictive tools for this variant are unclear. In summary, data on this variant is insufficient for disease classification. Therefore, the clinical significance of this variant is uncertain.

GeneDx
Classification: Likely benign. Last evaluated: 2020-04-15. Review status: criteria provided, single submitter. Criteria: GeneDx Variant Classification Process June 2021. Collection method: clinical testing. Allele origin: germline. Affected: yes.

Illumina Laboratory Services, Illumina
Classification: Likely benign for Majeed syndrome. Last evaluated: 2017-04-27. Review status: criteria provided, single submitter. Criteria: ICSL Variant Classification Criteria 13 December 2019. Collection method: clinical testing. Allele origin: germline.
Comment: This variant was observed as part of a predisposition screen in an ostensibly healthy population. A literature search was performed for the gene, cDNA change, and amino acid change (where applicable). Publications were found based on this search. The evidence from the literature, in combination with allele frequency data from public databases where available, was sufficient to determine this variant is unlikely to cause disease. Therefore, this variant is classified as likely benign.

Laboratory for Molecular Medicine, Mass General Brigham Personalized Medicine
Classification: Uncertain significance. Last evaluated: 2016-03-29. Review status: criteria provided, single submitter. Criteria: LMM Criteria. Collection method: clinical testing. Allele origin: germline.
Comment: Variant identified in a genome or exome case(s) and assessed due to predicted null impact of the variant or pathogenic assertions in the literature or databases. Disclaimer: This variant has not undergone full assessment. The following are preliminary notes: Gene has limited evidence for disease association. Variant is in disease database based on personal communication. Frequency 0.33%

PreventionGenetics, part of Exact Sciences
Classification: Likely benign for LPIN2-related condition. Last evaluated: 2023-09-29. Review status: no assertion criteria provided. Collection method: clinical testing. Allele origin: germline. Not counted in ClinVar's aggregate classification.
Comment: This variant is classified as likely benign based on ACMG/AMP sequence variant interpretation guidelines (Richards et al. 2015 PMID: 25741868, with internal and published modifications).

Clinical Genetics DNA and cytogenetics Diagnostics Lab, Erasmus MC, Erasmus Medical Center
Classification: Likely benign. Review status: no assertion criteria provided. Collection method: clinical testing. Allele origin: germline. Affected: yes. Study: VKGL Data-share Consensus. Not counted in ClinVar's aggregate classification.

Diagnostic Laboratory, Department of Genetics, University Medical Center Groningen
Classification: Likely benign. Review status: no assertion criteria provided. Collection method: clinical testing. Allele origin: germline. Affected: yes. Study: VKGL Data-share Consensus. Not counted in ClinVar's aggregate classification.

Unité médicale des maladies autoinflammatoires, CHRU Montpellier
No classification provided. Condition: Majeed syndrome. Review status: no classification provided. Collection method: not provided. Allele origin: unknown. Not counted in ClinVar's aggregate classification.

Literature cited by the submitters: PubMed 32199921 (cited by Mayo Clinic Laboratories, Mayo Clinic); PubMed 20032092 (cited by Illumina Laboratory Services, Illumina); PubMed 20645851 (cited by Illumina Laboratory Services, Illumina).

NM_001375808.2(LPIN2):c.1510C>T (p.Leu504Phe)

Gene: LPIN2 (lipin 2; minus strand). Cytogenetic location: 18p11.31.
Variant type: single nucleotide variant.
Coding change: c.1510C>T on transcript NM_001375808.2 (MANE Select); coding-DNA position 1510, C replaced by T.
Protein change: p.Leu504Phe; replaces leucine 504 with phenylalanine.
Molecular consequence: missense variant.
Genome position (GRCh38, 1-based): chr18:2,929,105, G>A on the plus strand (C>T on the coding strand, the complement: LPIN2 is on the minus strand). VCF-style: chr18-2929105-G-A. GRCh37 (hg19) VCF-style: chr18-2929103-G-A.
Other names: c.1510C>T, p.Leu504Phe (NM_001375809.1, NM_014646.2); short protein forms L504F.
Identifiers: ClinVar variation 97814 (VCV000097814.87), dbSNP rs104895500, ClinGen allele CA267513.
Genomic context (GRCh38, chr18:2,929,105, plus strand): 5'-ATAAAAGCAGGAGTATTTACCGATTATATATCCTTATTACAAGGTTAGGATTGTCTATAA[G>A]TCCAGGGTTTTCTGCAAATTCGTGATAAGTAATGATATGCTCCATGAATTTTTCTGCAAT-3'
Protein context (NP_001362737.1, residues 494-514): TYHEFAENPG[Leu504Phe]IDNPNLVIRI